The following is an entry in ClinVar:

NM_000052.7(ATP7A):c.3499_3500delinsA (p.Ala1167fs)

Gene: ATP7A (ATPase copper transporting alpha; plus strand). Cytogenetic location: Xq21.1.
Variant type: Indel.
Coding change: c.3499_3500delinsA on transcript NM_000052.7 (MANE Select); coding-DNA positions 3499 to 3500, GC replaced by A.
Protein change: p.Ala1167fs; shifts the reading frame from alanine 1167.
Molecular consequence: frameshift variant. On other transcripts: non-coding transcript variant (1).
Genome position (GRCh38, 1-based): chrX:78,033,809-78,033,810, GC replaced by A. VCF-style: chrX-78033809-GC-A. GRCh37 (hg19) VCF-style: chrX-77289307-GC-A.
Other names: c.3265_3266delinsA, p.Ala1089fs (NM_001282224.2); short protein forms A1089fs, A1167fs.
Identifiers: ClinVar variation 1726853 (VCV001726853.3), dbSNP rs2522401623, ClinGen allele CA2580101980.

ClinVar aggregate classification (germline): Likely pathogenic (1 of 4 stars; one submission).

Conditions:
Menkes kinky-hair syndrome (MNK). Also called: Copper transport disease; Classic Menkes Disease; Menkes Disease. Identifiers: Orphanet 565, MedGen C0022716, MONDO:0010651, OMIM 309400.

Submission:

Myriad Genetics, Inc.
Classification: Likely pathogenic for Menkes kinky-hair syndrome. Last evaluated: 2022-01-02. Review status: criteria provided, single submitter. Criteria: Myriad Autosomal Dominant, Autosomal Recessive and X-Linked Classification Criteria (2023). Collection method: clinical testing. Allele origin: unknown.
Comment: NM_000052.5(ATP7A):c.3499_3500delGCinsA(A1167Tfs*22) is expected to be pathogenic in the context of ATP7A-related disorders. This variant is predicted to lead to an abnormal or absent protein product due to the creation of a premature termination codon in ATP7A, a gene where loss-of-function variants are known to be pathogenic. Please note: this variant was assessed in the context of healthy population screening.